The following is an entry in ClinVar:

NM_172240.3(POC1B):c.52A>G (p.Lys18Glu)

Genes: POC1B (POC1 centriolar protein B; minus strand), POC1B-DUSP6 (POC1B-DUSP6 readthrough; minus strand), POC1B-GALNT4 (POC1B-GALNT4 readthrough; minus strand), LOC130008356 (ATAC-STARR-seq lymphoblastoid silent region 4693; plus strand). Cytogenetic location: 12q21.33.
Variant type: single nucleotide variant.
Coding change: c.52A>G on transcript NM_172240.3 (MANE Select); coding-DNA position 52, A replaced by G.
Protein change: p.Lys18Glu; replaces lysine 18 with glutamic acid.
Molecular consequence: missense variant. On other transcripts: synonymous variant (1), 5 prime UTR variant (1), non-coding transcript variant (2).
Genome position (GRCh38, 1-based): chr12:89,525,168, T>C on the plus strand (A>G on the coding strand, the complement: POC1B is on the minus strand). VCF-style: chr12-89525168-T-C. GRCh37 (hg19) VCF-style: chr12-89918945-T-C.
Other names: c.52A>G, p.Lys18Glu (NM_001199781.2); c.312A>G, p.Thr104= (NM_001199782.1); c.-75A>G (NM_001199777.2); short protein forms K18E.
Identifiers: ClinVar variation 1369814 (VCV001369814.9), dbSNP rs758725010, ClinGen allele CA6714991.
Genomic context (GRCh38, chr12:89,525,168, plus strand): 5'-AATAAGACTTACCAAGTTGCTTGCCGTTGGGGCTGAGGTCCAAGGAGGTGATCGCAGCTT[T>C]GTGGCCTTTGAAATAACGCTCCAGAACGGGGTCCTCCTGGAAAGGAAAGTTGTCAAGTTT-3'
Protein context (NP_758440.1, residues 8-28): PVLERYFKGH[Lys18Glu]AAITSLDLSP

ClinVar aggregate classification (germline): Uncertain significance. Review status: criteria provided, multiple submitters, no conflicts (2 of 4 stars). 2 submissions from 2 submitters: Uncertain significance (2). Last evaluated 2023-12-04.

Allele frequency attached by ClinVar (database versions not stated): TOPMed 0.00001; ExAC 0.00002; gnomAD 0.00003 and 0.00004; gnomAD exomes 0.00003 and 0.00004.
gnomAD v4.1: 57 of 1,613,732 alleles (0.0035%); highest among the groups gnomAD compares: Non-Finnish European, 0.0047%; no homozygotes.

Submissions (2):

Labcorp Genetics (formerly Invitae), Labcorp
Classification: Uncertain significance. Last evaluated: 2023-12-04. Review status: criteria provided, single submitter. Criteria: Invitae Variant Classification Sherloc (09022015). Collection method: clinical testing. Allele origin: germline.
Comment: This sequence change replaces lysine, which is basic and polar, with glutamic acid, which is acidic and polar, at codon 18 of the POC1B protein (p.Lys18Glu). This variant is present in population databases (rs758725010, gnomAD 0.005%). This variant has not been reported in the literature in individuals affected with POC1B-related conditions. ClinVar contains an entry for this variant (Variation ID: 1369814). Advanced modeling of protein sequence and biophysical properties (such as structural, functional, and spatial information, amino acid conservation, physicochemical variation, residue mobility, and thermodynamic stability) performed at Invitae indicates that this missense variant is not expected to disrupt POC1B protein function with a negative predictive value of 80%. In summary, the available evidence is currently insufficient to determine the role of this variant in disease. Therefore, it has been classified as a Variant of Uncertain Significance.

Blueprint Genetics
Classification: Uncertain significance. Last evaluated: 2021-10-06. Review status: criteria provided, single submitter. Criteria: ACMG Guidelines, 2015. Collection method: clinical testing. Allele origin: germline.